The following is an entry in ClinVar:

NM_000489.6(ATRX):c.6562C>T (p.Arg2188Ter)

Gene: ATRX (ATRX chromatin remodeler; minus strand). Cytogenetic location: Xq21.1.
Variant type: single nucleotide variant.
Coding change: c.6562C>T on transcript NM_000489.6 (MANE Select); coding-DNA position 6562, C replaced by T.
Protein change: p.Arg2188Ter; replaces arginine 2188 with a stop codon.
Molecular consequence: nonsense.
Genome position (GRCh38, 1-based): chrX:77,557,588, G>A on the plus strand (C>T on the coding strand, the complement: ATRX is on the minus strand). VCF-style: chrX-77557588-G-A. GRCh37 (hg19) VCF-style: chrX-76813059-G-A.
Other names: c.6448C>T, p.Arg2150Ter (NM_138270.5); short protein forms R2150*, R2188*.
Identifiers: ClinVar variation 4818457 (VCV004818457.1).
Genomic context (GRCh38, chrX:77,557,588, plus strand): 5'-AAAGTTCAGTAAGCTCATTCATAGTAAAATGACGCTCCACCTGCTGCTGATCAACAACTC[G>A]AAAAGACAGTGACTGCTTAGTTACTTGCCGATCATAAATCTTATCTTCCATGGTTCCCTT-3'

ClinVar aggregate classification (germline): Likely pathogenic (1 of 4 stars; one submission).

Conditions:
Alpha thalassemia-X-linked intellectual disability syndrome (ATRX). Also called: ALPHA-THALASSEMIA/MENTAL RETARDATION SYNDROME, X-LINKED; ATR, NONDELETION TYPE; ATR-X syndrome; Alpha thalassemia mental retardation syndrome, nondeletion type, X-linked; XLMR hypotonic face syndrome; X-linked alpha-thalassemia-mental retardation syndrome. Identifiers: Orphanet 847, MedGen C1845055, MONDO:0010519, OMIM 301040.

gnomAD v4.1: 1 of 1,208,273 alleles (0.000083%); highest among the groups gnomAD compares: Non-Finnish European, 0.00011%; no homozygotes.

Submission:

Natera, Inc.
Classification: Likely pathogenic for X-linked alpha-thalassemia-mental retardation syndrome. Last evaluated: 2025-08-21. Review status: criteria provided, single submitter. Criteria: Natera Variant Classification Schema (03/2026). Collection method: clinical testing. Allele origin: germline.
Comment: The c.6562C>T variant in ATRX is a nonsense variant predicted to introduce a stop codon at amino acid 2188. This variant is expected to result in nonsense mediated decay, truncation, or a dysfunctional protein product. This variant is rare in the general population with a frequency below the threshold expected for the associated phenotype(s). Given the available evidence, this variant is classified as Likely Pathogenic.